The following is an entry in ClinVar:

ClinVar aggregate classification (germline): Uncertain significance (1 of 4 stars; one submission).

gnomAD v4.1: 2 of 1,614,020 alleles (0.00012%); highest among the groups gnomAD compares: Admixed American, 0.0033%; no homozygotes.

Submission:

Dasa
Classification: Uncertain significance. Last evaluated: 2025-02-26. Review status: criteria provided, single submitter. Criteria: DASA Assertion Criteria. Collection method: clinical testing. Allele origin: germline.
Comment: NM_001923.5(DDB1):c.1696G>T (p.Ala566Ser) is a missense variant that results in the substitution of alanine with serine. This variant is rare in population databases. The currently available literature and clinical evidence are not sufficient to establish a definitive association between this variant and the reported condition. Therefore, this variant is classified as a variant of uncertain significance.

NM_001923.5(DDB1):c.1696G>T (p.Ala566Ser)

Gene: DDB1 (damage specific DNA binding protein 1; minus strand). Cytogenetic location: 11q12.2.
Variant type: single nucleotide variant.
Coding change: c.1696G>T on transcript NM_001923.5 (MANE Select); coding-DNA position 1696, G replaced by T.
Protein change: p.Ala566Ser; replaces alanine 566 with serine.
Molecular consequence: missense variant.
Genome position (GRCh38, 1-based): chr11:61,314,104, C>A on the plus strand (G>T on the coding strand, the complement: DDB1 is on the minus strand). VCF-style: chr11-61314104-C-A. GRCh37 (hg19) VCF-style: chr11-61081576-C-A.
Other names: short protein forms A566S.
Identifiers: ClinVar variation 4882584 (VCV004882584.2).